The following is an entry in ClinVar:

NM_000059.4(BRCA2):c.4417A>T (p.Asn1473Tyr)

Gene: BRCA2 (BRCA2 DNA repair associated; plus strand). Cytogenetic location: 13q13.1.
Variant type: single nucleotide variant.
Coding change: c.4417A>T on transcript NM_000059.4 (MANE Select); coding-DNA position 4417, A replaced by T.
Protein change: p.Asn1473Tyr; replaces asparagine 1473 with tyrosine.
Molecular consequence: missense variant. On other transcripts: non-coding transcript variant (1), intron variant (2).
Genome position (GRCh38, 1-based): chr13:32,338,772, A>T. VCF-style: chr13-32338772-A-T. GRCh37 (hg19) VCF-style: chr13-32912909-A-T.
Other names: c.4417A>T, p.Asn1473Tyr (NM_001406719.1, NM_001406720.1); c.1909+5385A>T (NM_001406721.1); c.425-5786A>T (NM_001406722.1); short protein forms N1473Y.
Identifiers: ClinVar variation 2505519 (VCV002505519.2), dbSNP rs80358675, ClinGen allele CA387781213.
Genomic context (GRCh38, chr13:32,338,772, plus strand): 5'-AAACCAGAAGAATTGCATAACTTTTCCTTAAATTCTGAATTACATTCTGACATAAGAAAG[A>T]ACAAAATGGACATTCTAAGTTATGAGGAAACAGACATAGTTAAACACAAAATACTGAAAG-3'
Protein context (NP_000050.3, residues 1463-1483): NSELHSDIRK[Asn1473Tyr]KMDILSYEET

ClinVar aggregate classification (germline): Uncertain significance (1 of 4 stars; one submission).

Conditions:
Breast-ovarian cancer, familial, susceptibility to, 2 (BROVCA2). Also called: BRCA2 Hereditary Breast and Ovarian Cancer. Identifiers: Orphanet 145, MedGen C2675520, MONDO:0012933, OMIM 612555. Disease mechanism: loss of function.

gnomAD v4.1: 1 of 1,611,672 alleles (0.000062%); no homozygotes.

Submission:

KCCC/NGS Laboratory, Kuwait Cancer Control Center
Classification: Uncertain significance for Breast-ovarian cancer, familial, susceptibility to, 2. Last evaluated: 2023-06-06. Review status: criteria provided, single submitter. Criteria: ACMG Guidelines, 2015. Collection method: clinical testing. Allele origin: germline. Affected: yes.
Comment: a point mutation in the BRCA2 gene (c.4417A>T (p.Asn1473Tyr)) which results in the substitution of tyrosine for asparagine at amino acid position 1473. This mutation is considered as a variant of uncertain significance.